The following is an entry in ClinVar:

ClinVar aggregate classification (germline): Conflicting classifications of pathogenicity. Review status: criteria provided, conflicting classifications (1 of 4 stars). 11 submissions from 11 submitters: Uncertain significance (5); Benign (1); Likely benign (2). 3 of the submissions do not count toward it. Last evaluated 2026-09-01.

Conditions:
Inborn genetic diseases. Identifiers: MedGen C0950123, MeSH D030342.
Nemaline myopathy 2 (NEM2). Also called: Nemaline myopathy 2, autosomal recessive. Identifiers: MedGen C1850569, MONDO:0009725, OMIM 256030.

Allele frequency attached by ClinVar (database versions not stated): gnomAD 0.00008 and 0.00014; TOPMed 0.00011; gnomAD exomes 0.00017 and 0.00029; ESP Exome Variant Server 0.00025; ExAC 0.00032; 1000 Genomes Project 30x 0.00078; 1000 Genomes Project 0.00080.
gnomAD v4.1: 277 of 1,613,742 alleles (0.017%); highest among the groups gnomAD compares: South Asian, 0.18%; 2 homozygotes.

Submissions (11):

CeGaT Center for Human Genetics Tuebingen
Classification: Likely benign. Last evaluated: 2026-09-01. Review status: criteria provided, single submitter. Criteria: CeGaT Center For Human Genetics Tuebingen Variant Classification Criteria Version 2. Collection method: clinical testing. Allele origin: germline. Affected: yes. Observed: 2 variant alleles.
Comment: NEB: BS2

Labcorp Genetics (formerly Invitae), Labcorp
Classification: Benign for Nemaline myopathy 2. Last evaluated: 2026-02-04. Review status: criteria provided, single submitter. Criteria: Invitae Variant Classification Sherloc (09022015). Collection method: clinical testing. Allele origin: germline.

Blueprint Genetics
Classification: Uncertain significance. Last evaluated: 2024-08-04. Review status: criteria provided, single submitter. Criteria: ACMG Guidelines, 2015. Collection method: clinical testing. Allele origin: germline.

Revvity Omics, Revvity
Classification: Uncertain significance. Last evaluated: 2024-07-05. Review status: criteria provided, single submitter. Criteria: ACMG Guidelines, 2015. Collection method: clinical testing. Allele origin: germline.

Mayo Clinic Laboratories, Mayo Clinic
Classification: Uncertain significance. Last evaluated: 2023-05-15. Review status: criteria provided, single submitter. Criteria: ACMG Guidelines, 2015. Collection method: clinical testing. Allele origin: germline. Observed: 1 variant allele.

Ambry Genetics
Classification: Uncertain significance for Inborn genetic diseases. Last evaluated: 2021-12-03. Review status: criteria provided, single submitter. Criteria: Ambry Variant Classification Scheme 2023. Collection method: clinical testing. Allele origin: germline.

GeneDx
Classification: Likely benign. Last evaluated: 2018-10-09. Review status: criteria provided, single submitter. Criteria: GeneDx Variant Classification Process June 2021. Collection method: clinical testing. Allele origin: germline. Affected: yes.

Illumina Laboratory Services, Illumina
Classification: Uncertain significance for Nemaline myopathy 2. Last evaluated: 2017-04-27. Review status: criteria provided, single submitter. Criteria: ICSL Variant Classification Criteria 13 December 2019. Collection method: clinical testing. Allele origin: germline.

Natera, Inc.
Classification: Uncertain significance for Nemaline myopathy type 2. Last evaluated: 2020-01-17. Review status: no assertion criteria provided. Collection method: clinical testing. Allele origin: germline. Not counted in ClinVar's aggregate classification.

Clinical Genetics DNA and cytogenetics Diagnostics Lab, Erasmus MC, Erasmus Medical Center
Classification: Uncertain significance. Review status: no assertion criteria provided. Collection method: clinical testing. Allele origin: germline. Affected: yes. Study: VKGL Data-share Consensus. Not counted in ClinVar's aggregate classification.

Laboratory of Diagnostic Genome Analysis, Leiden University Medical Center (LUMC)
Classification: Uncertain significance. Review status: no assertion criteria provided. Collection method: clinical testing. Allele origin: germline. Affected: yes. Study: VKGL Data-share Consensus. Not counted in ClinVar's aggregate classification.

NM_001164508.2(NEB):c.355A>G (p.Thr119Ala)

Gene: NEB (nebulin; minus strand). Cytogenetic location: 2q23.3.
Variant type: single nucleotide variant.
Coding change: c.355A>G on transcript NM_001164508.2 (MANE Select); coding-DNA position 355, A replaced by G.
Protein change: p.Thr119Ala; replaces threonine 119 with alanine.
Molecular consequence: missense variant.
Genome position (GRCh38, 1-based): chr2:151,725,500, T>C on the plus strand (A>G on the coding strand, the complement: NEB is on the minus strand). VCF-style: chr2-151725500-T-C. GRCh37 (hg19) VCF-style: chr2-152582014-T-C.
Other names: p.Thr119Ala; c.355A>G, p.Thr119Ala (NM_001164507.2, NM_001271208.2, NM_004543.5); short protein forms T119A.
Identifiers: ClinVar variation 663286 (VCV000663286.48), dbSNP rs182207224, ClinGen allele CA1911931.
Genomic context (GRCh38, chr2:151,725,500, plus strand): 5'-CAATGCAGCCCACCTCACTGAGTTGATCTTGTACTTTTTTGATTCTGCGAAGTTCTGGAG[T>C]ATCTGTTGTGCTGGCGTATGGCTGTCCTTTTGTTTTCTCAAACTTCTCCTTGTATTTATT-3'
Protein context (NP_001157980.2, residues 109-129): KGQPYASTTD[Thr119Ala]PELRRIKKVQ